The following is an entry in ClinVar:

ClinVar aggregate classification (germline): Pathogenic (1 of 4 stars; one submission).

Submission:

Labcorp Genetics (formerly Invitae), Labcorp
Classification: Pathogenic. Last evaluated: 2024-01-14. Review status: criteria provided, single submitter. Criteria: Invitae Variant Classification Sherloc (09022015). Collection method: clinical testing. Allele origin: germline.
Comment: This sequence change affects the initiator methionine of the RARS2 mRNA. The next in-frame methionine is located at codon 176. Information on the frequency of this variant in the gnomAD database is not available, as this variant may be reported differently in the database. Disruption of the initiator codon has been observed in individual(s) with pontocerebellar hypoplasia (PMID: 26083569). In at least one individual the data is consistent with being in trans (on the opposite chromosome) from a pathogenic variant. It has also been observed to segregate with disease in related individuals. This variant disrupts a region of the RARS2 protein in which other variant(s) (p.Lys158del) have been determined to be pathogenic (PMID: 22086604, 27061686, 34717047). This suggests that this is a clinically significant region of the protein, and that variants that disrupt it are likely to be disease-causing. For these reasons, this variant has been classified as Pathogenic.

Literature cited by the submitters: PubMed 26083569; PubMed 22086604; PubMed 27061686; PubMed 34717047.

NM_020320.5(RARS2):c.1_2delinsCC (p.Met1Pro)

Gene: RARS2 (arginyl-tRNA synthetase 2, mitochondrial; minus strand). Cytogenetic location: 6q15.
Variant type: Indel.
Coding change: c.1_2delinsCC on transcript NM_020320.5 (MANE Select); coding-DNA positions 1 to 2, AT replaced by CC.
Protein change: p.Met1Pro; changes the start codon (methionine 1).
Molecular consequence: missense variant, initiator codon variant. On other transcripts: non-coding transcript variant (23), 5 prime UTR variant (7).
Genome position (GRCh38, 1-based): chr6:87,589,956-87,589,957, AT replaced by GG on the plus strand (AT replaced by CC on the coding strand, the reverse complement: RARS2 is on the minus strand). VCF-style: chr6-87589956-AT-GG. GRCh37 (hg19) VCF-style: chr6-88299674-AT-GG.
Other names: c.-690_-689delinsCC (NM_001318785.2); c.1_2delinsCC, p.Met1Pro (NM_001350505.2); c.-746_-745delinsCC (NM_001350506.2, NM_001350510.2); c.-869_-868delinsCC (NM_001350507.2); c.-908_-907delinsCC (NM_001350508.2); c.-616_-615delinsCC (NM_001350509.2); c.-865_-864delinsCC (NM_001350511.2); short protein forms M1P.
Identifiers: ClinVar variation 3632748 (VCV003632748.2).